The following is an entry in ClinVar:

ClinVar aggregate classification (germline): Conflicting classifications of pathogenicity. Review status: criteria provided, conflicting classifications (1 of 4 stars). 10 submissions from 10 submitters: Uncertain significance (3); Benign (1); Likely benign (4). 2 of the submissions do not count toward it. Last evaluated 2026-01-26.

Conditions:
AXIN2-related disorder.
Oligodontia-cancer predisposition syndrome. Also called: TOOTH AGENESIS-COLORECTAL CANCER SYNDROME. Identifiers: Orphanet 300576, MedGen C1837750, MONDO:0012075, OMIM 608615. Disease mechanism: loss of function.
Hereditary cancer-predisposing syndrome. Also called: Tumor predisposition; Hereditary Cancer Syndrome; Hereditary neoplastic syndrome; Neoplastic Syndromes, Hereditary. Identifiers: Orphanet 140162, MedGen C0027672, MeSH D009386, MONDO:0015356.
Malignant tumor of breast. Also called: Malignant breast neoplasm; Cancer breast. Identifiers: MedGen C0006142, MONDO:0007254. Disease mechanism: loss of function.

Allele frequency attached by ClinVar (database versions not stated): gnomAD 0.00004 and 0.00006; TOPMed 0.00006; ESP Exome Variant Server 0.00008; ExAC 0.00014; gnomAD exomes 0.00016; 1000 Genomes Project 30x 0.00031; 1000 Genomes Project 0.00040.
gnomAD v4.1: 150 of 1,613,746 alleles (0.0093%); highest among the groups gnomAD compares: Middle Eastern, 0.13%; no homozygotes.

Submissions (10):

Labcorp Genetics (formerly Invitae), Labcorp
Classification: Likely benign for Oligodontia-cancer predisposition syndrome. Last evaluated: 2026-01-26. Review status: criteria provided, single submitter. Criteria: Invitae Variant Classification Sherloc (09022015). Collection method: clinical testing. Allele origin: germline.

Center for Genomic Medicine, Rigshospitalet, Copenhagen University Hospital
Classification: Uncertain significance. Last evaluated: 2025-03-04. Review status: criteria provided, single submitter. Criteria: ACMG Guidelines, 2015. Collection method: clinical testing. Allele origin: germline.

Blueprint Genetics
Classification: Likely benign. Last evaluated: 2024-11-22. Review status: criteria provided, single submitter. Criteria: ACMG Guidelines, 2015. Collection method: clinical testing. Allele origin: germline.

Revvity Omics, Revvity
Classification: Uncertain significance for Oligodontia-cancer predisposition syndrome. Last evaluated: 2023-09-29. Review status: criteria provided, single submitter. Criteria: ACMG Guidelines, 2015. Collection method: clinical testing. Allele origin: germline.

Ambry Genetics
Classification: Likely benign for Hereditary cancer-predisposing syndrome. Last evaluated: 2022-12-30. Review status: criteria provided, single submitter. Criteria: Ambry Variant Classification Scheme 2023. Collection method: clinical testing. Allele origin: germline.

GeneDx
Classification: Uncertain significance. Last evaluated: 2022-02-22. Review status: criteria provided, single submitter. Criteria: GeneDx Variant Classification Process June 2021. Collection method: clinical testing. Allele origin: germline. Affected: yes.
Comment: Observed in individuals with colon, breast, and/or ovarian cancer and in healthy controls (Khan 2011, Pritchard 2018, Moradian 2021); In silico analysis supports that this missense variant does not alter protein structure/function; This variant is associated with the following publications: (PMID: 25236910, 21541676, 34426522, 29641532, 33558524)

Sema4
Classification: Likely benign for Hereditary cancer-predisposing syndrome. Last evaluated: 2021-12-08. Review status: criteria provided, single submitter. Criteria: Sema4 Curation Guidelines. Collection method: curation. Allele origin: germline.

Mendelics
Classification: Benign for Oligodontia-cancer predisposition syndrome. Last evaluated: 2019-05-28. Review status: criteria provided, single submitter. Criteria: Mendelics Assertion Criteria 2017. Collection method: clinical testing. Allele origin: unknown.

PreventionGenetics, part of Exact Sciences
Classification: Likely benign for AXIN2-related condition. Last evaluated: 2021-03-22. Review status: no assertion criteria provided. Collection method: clinical testing. Allele origin: germline. Not counted in ClinVar's aggregate classification.
Comment: This variant is classified as likely benign based on ACMG/AMP sequence variant interpretation guidelines (Richards et al. 2015 PMID: 25741868, with internal and published modifications).

Center of Medical Genetics and Primary Health Care
Classification: Uncertain significance for Breast Cancer. Last evaluated: 2020-04-08. Review status: no assertion criteria provided. Collection method: research. Allele origin: germline. Inheritance: Autosomal dominant inheritance. Affected: yes. Observed: 1 heterozygote. Not counted in ClinVar's aggregate classification.
Comment: This variant is in exon 6 in a non-functional domain. The allele frequency in GnomAD exomes is 0.000164 which is more than 0.0001 derived from the 1,065 clinically reported variants in gene AXIN2 (BS1 Benign Strong). This variant is also observed in healthy adults and GnomAD exomes allele count is 40 which is more than the threshold 5 for dominant gene AXIN2 (BS2 Benign Strong). Additionally, only 1 missense variant in AXIN2 gene is known to be pathogenic (BP1 Benign Supporting). Thus, we classified this variant as a Variant of Uncertain Significance.

Literature cited by the submitters: PubMed 33558524 (cited by 3 submitters); PubMed 21541676 (cited by Ambry Genetics and Sema4); PubMed 29641532 (cited by Ambry Genetics and Sema4).

NM_004655.4(AXIN2):c.2083G>T (p.Ala695Ser)

Gene: AXIN2 (axin 2; minus strand). Cytogenetic location: 17q24.1.
Variant type: single nucleotide variant.
Coding change: c.2083G>T on transcript NM_004655.4 (MANE Select); coding-DNA position 2083, G replaced by T.
Protein change: p.Ala695Ser; replaces alanine 695 with serine.
Molecular consequence: missense variant.
Genome position (GRCh38, 1-based): chr17:65,536,378, C>A on the plus strand (G>T on the coding strand, the complement: AXIN2 is on the minus strand). VCF-style: chr17-65536378-C-A. GRCh37 (hg19) VCF-style: chr17-63532496-C-A.
Other names: c.2083G>T (LRG_296t1); c.1888G>T, p.Ala630Ser (NM_001363813.1); short protein forms A695S, A630S.
Identifiers: ClinVar variation 415218 (VCV000415218.35), dbSNP rs140510381, ClinGen allele CA8718412.